The following is an entry in ClinVar:

NM_000179.3(MSH6):c.3438+10T>G

Gene: MSH6 (mutS homolog 6; plus strand). Cytogenetic location: 2p16.3.
Variant type: single nucleotide variant.
Coding change: c.3438+10T>G on transcript NM_000179.3 (MANE Select); 10 bases into the intron after coding-DNA position 3438, T replaced by G.
Molecular consequence: intron variant.
Genome position (GRCh38, 1-based): chr2:47,803,695, T>G. VCF-style: chr2-47803695-T-G. GRCh37 (hg19) VCF-style: chr2-48030834-T-G.
Other names: c.2532+10T>G (NM_001281493.2, NM_001281494.2); c.3048+10T>G (NM_001281492.2).
Identifiers: ClinVar variation 455259 (VCV000455259.16), dbSNP rs372775152, ClinGen allele CA1649451.

ClinVar aggregate classification (germline): Likely benign. Review status: criteria provided, multiple submitters, no conflicts (2 of 4 stars). 4 submissions from 4 submitters: Likely benign (4). Last evaluated 2026-01-21.

Conditions:
Hereditary nonpolyposis colorectal neoplasms. Identifiers: MedGen C0009405, MeSH D003123.
Hereditary cancer-predisposing syndrome. Also called: Hereditary Cancer Syndrome; Hereditary neoplastic syndrome; Neoplastic Syndromes, Hereditary; Tumor predisposition. Identifiers: Orphanet 140162, MedGen C0027672, MeSH D009386, MONDO:0015356.
Lynch syndrome 5 (LYNCH5). Also called: Hereditary non-polyposis colorectal cancer, type 5; Colorectal cancer, hereditary nonpolyposis, type 5. Identifiers: Orphanet 144, MedGen C1833477, MONDO:0013710, OMIM 614350. Disease mechanism: loss of function.

Allele frequency attached by ClinVar (database versions not stated): gnomAD exomes below 0.00001; ExAC 0.00001; gnomAD 0.00001; TOPMed 0.00002; ESP Exome Variant Server 0.00008.

Submissions (4):

Labcorp Genetics (formerly Invitae), Labcorp
Classification: Likely benign for Hereditary nonpolyposis colorectal neoplasms. Last evaluated: 2026-01-21. Review status: criteria provided, single submitter. Criteria: Invitae Variant Classification Sherloc (09022015). Collection method: clinical testing. Allele origin: germline.

Myriad Genetics, Inc.
Classification: Likely benign for Lynch syndrome 5. Last evaluated: 2025-01-06. Review status: criteria provided, single submitter. Criteria: Myriad Autosomal Dominant, Autosomal Recessive and X-Linked Classification Criteria (2023). Collection method: clinical testing. Allele origin: unknown.
Comment: This variant is considered likely benign. This variant is intronic and is not expected to impact mRNA splicing.

Quest Diagnostics Nichols Institute San Juan Capistrano
Classification: Likely benign. Last evaluated: 2023-06-28. Review status: criteria provided, single submitter. Criteria: Quest Diagnostics criteria. Collection method: clinical testing. Allele origin: unknown.

Color Diagnostics, LLC DBA Color Health
Classification: Likely benign for Hereditary cancer-predisposing syndrome. Last evaluated: 2016-04-26. Review status: criteria provided, single submitter. Criteria: ACMG Guidelines, 2015. Collection method: clinical testing. Allele origin: germline.